The following is an entry in ClinVar:

ClinVar aggregate classification (germline): Pathogenic (1 of 4 stars; one submission).

Conditions:
Premature ovarian failure 8 (POF8). Identifiers: MedGen C3810367, MONDO:0014321, OMIM 615723.

Submission:

3billion
Classification: Pathogenic for Premature ovarian failure 8. Last evaluated: 2025-06-10. Review status: criteria provided, single submitter. Criteria: ACMG Guidelines, 2015. Collection method: clinical testing. Allele origin: germline. Affected: yes.
Comment: The variant is observed at an extremely low frequency in the gnomAD v4.1.0 dataset (total allele frequency: <0.001%). Predicted Consequence/Location: Stop-gained (nonsense): predicted to result in a loss or disruption of normal protein function through nonsense-mediated decay (NMD) or protein truncation. Multiple pathogenic variants are reported downstream of the variant. Therefore, this variant is classified as Pathogenic according to the recommendation of ACMG/AMP guideline.

NM_001282717.2(STAG3):c.3052C>T (p.Arg1018Ter)

Gene: STAG3 (STAG3 cohesin complex component; plus strand). Cytogenetic location: 7q22.1.
Variant type: single nucleotide variant.
Coding change: c.3052C>T on transcript NM_001282717.2 (MANE Select); coding-DNA position 3052, C replaced by T.
Protein change: p.Arg1018Ter; replaces arginine 1018 with a stop codon.
Molecular consequence: nonsense.
Genome position (GRCh38, 1-based): chr7:100,205,105, C>T. VCF-style: chr7-100205105-C-T. GRCh37 (hg19) VCF-style: chr7-99802728-C-T.
Other names: c.3052C>T, p.Arg1018Ter (NM_001282716.1, NM_001375438.1, NM_012447.4); c.2878C>T, p.Arg960Ter (NM_001282718.2); short protein forms R1018*, R960*.
Identifiers: ClinVar variation 4854075 (VCV004854075.1).